The following is an entry in ClinVar:

NM_001006658.3(CR2):c.1987T>C (p.Ser663Pro)

Gene: CR2 (complement C3d receptor 2; plus strand). Cytogenetic location: 1q32.2.
Variant type: single nucleotide variant.
Coding change: c.1987T>C on transcript NM_001006658.3 (MANE Select); coding-DNA position 1987, T replaced by C.
Protein change: p.Ser663Pro; replaces serine 663 with proline.
Molecular consequence: missense variant. On other transcripts: intron variant (1).
Genome position (GRCh38, 1-based): chr1:207,473,553, T>C. VCF-style: chr1-207473553-T-C. GRCh37 (hg19) VCF-style: chr1-207646898-T-C.
Other names: c.1979-248T>C (NM_001877.5); short protein forms S663P.
Identifiers: ClinVar variation 402560 (VCV000402560.24), dbSNP rs4308977, ClinGen allele CA1368857.

ClinVar aggregate classification (germline): Benign/Likely benign. Review status: criteria provided, multiple submitters, no conflicts (2 of 4 stars). 9 submissions from 9 submitters: Benign (7); Likely benign (2). Last evaluated 2026-02-04.

Conditions:
Immunodeficiency, common variable, 7. Identifiers: Orphanet 1572, Orphanet 696894, MedGen C3542922, MONDO:0013862, OMIM 614699.

Allele frequency attached by ClinVar (database versions not stated): 1000 Genomes Project 0.28954; 1000 Genomes Project 30x 0.29731; gnomAD 0.32718; TOPMed 0.34240; ESP Exome Variant Server 0.37706.
gnomAD v4.1: 495,669 of 1,609,678 alleles (31%); highest among the groups gnomAD compares: African/African-American, 49%; 80,499 homozygotes.

Submissions (9):

Labcorp Genetics (formerly Invitae), Labcorp
Classification: Benign for Immunodeficiency, common variable, 7. Last evaluated: 2026-02-04. Review status: criteria provided, single submitter. Criteria: Invitae Variant Classification Sherloc (09022015). Collection method: clinical testing. Allele origin: germline.

Women's Health and Genetics/Laboratory Corporation of America, LabCorp
Classification: Likely benign. Last evaluated: 2026-01-21. Review status: criteria provided, single submitter. Criteria: LabCorp Variant Classification Summary - May 2015. Collection method: clinical testing. Allele origin: germline.

Blueprint Genetics
Classification: Likely benign. Last evaluated: 2024-11-26. Review status: criteria provided, single submitter. Criteria: ACMG Guidelines, 2015. Collection method: clinical testing. Allele origin: germline.

Unidad de Genómica Garrahan, Hospital de Pediatría Garrahan
Classification: Benign. Last evaluated: 2024-01-24. Review status: criteria provided, single submitter. Criteria: ACMG Guidelines, 2015. Collection method: clinical testing. Allele origin: germline. Affected: no. Observed: 33 variant alleles.
Comment: This variant is classified as Benign based on local population frequency. This variant was detected in 35% of patients studied by a panel of primary immunodeficiencies. Number of patients: 33. Only high quality variants are reported.

Genome-Nilou Lab
Classification: Benign for Immunodeficiency, common variable, 7. Last evaluated: 2021-07-30. Review status: criteria provided, single submitter. Criteria: ACMG Guidelines, 2015. Collection method: clinical testing. Allele origin: germline. Affected: no.

GeneDx
Classification: Benign. Last evaluated: 2018-11-10. Review status: criteria provided, single submitter. Criteria: GeneDx Variant Classification Process June 2021. Collection method: clinical testing. Allele origin: germline. Affected: yes.

Mayo Clinic Laboratories, Mayo Clinic
Classification: Benign. Last evaluated: 2016-10-13. Review status: criteria provided, single submitter. Criteria: ACMG Guidelines, 2015. Collection method: clinical testing. Allele origin: germline. Observed: 66 variant alleles.

Laboratory for Molecular Medicine, Mass General Brigham Personalized Medicine
Classification: Benign. Last evaluated: 2016-03-28. Review status: criteria provided, single submitter. Criteria: LMM Criteria. Collection method: clinical testing. Allele origin: germline.
Comment: Variant identified in a genome or exome case(s) and assessed due to predicted null impact of the variant or pathogenic assertions in the literature or databases. Disclaimer: This variant has not undergone full assessment. The following are preliminary notes: Frequency

Breakthrough Genomics
Classification: Benign. Review status: criteria provided, single submitter. Criteria: ACMG Guidelines, 2015. Collection method: not provided. Allele origin: germline. Inheritance: Autosomal recessive inheritance. Affected: yes.